The following is an entry in ClinVar:

ClinVar aggregate classification (germline): Uncertain significance (1 of 4 stars; one submission).

Submission:

Greenwood Genetic Center Diagnostic Laboratories, Greenwood Genetic Center
Classification: Uncertain significance. Last evaluated: 2023-05-17. Review status: criteria provided, single submitter. Criteria: ACMG Guidelines, 2015. Collection method: clinical testing. Allele origin: germline. Affected: yes.
Comment: Gene of Uncertain Significance for missense changes

NM_015001.3(SPEN):c.9109C>T (p.Pro3037Ser)

Gene: SPEN (spen family transcriptional repressor; plus strand). Cytogenetic location: 1p36.13.
Variant type: single nucleotide variant.
Coding change: c.9109C>T on transcript NM_015001.3 (MANE Select); coding-DNA position 9109, C replaced by T.
Protein change: p.Pro3037Ser; replaces proline 3037 with serine.
Molecular consequence: missense variant.
Genome position (GRCh38, 1-based): chr1:15,935,349, C>T. VCF-style: chr1-15935349-C-T. GRCh37 (hg19) VCF-style: chr1-16261844-C-T.
Other names: short protein forms P3037S.
Identifiers: ClinVar variation 2572224 (VCV002572224.1), dbSNP rs2523094687, ClinGen allele CA338652629.